The following is an entry in ClinVar:

ClinVar aggregate classification (germline): Uncertain significance. Review status: criteria provided, multiple submitters, no conflicts (2 of 4 stars). 2 submissions from 2 submitters: Uncertain significance (2). Last evaluated 2023-03-27.

Conditions:
Intellectual developmental disorder, autosomal dominant 6, with or without seizures. Also called: Intellectual disability, autosomal dominant 6; GRIN2B-related developmental delay, intellectual disability and autism spectrum disorder. Identifiers: Orphanet 589547, MedGen C3151411, MONDO:0013509, OMIM 613970.
Developmental and epileptic encephalopathy, 27 (DEE27). Also called: Epileptic encephalopathy, early infantile, 27; GRIN2B-Related Neurodevelopmental Disorder. Identifiers: Orphanet 3451, MedGen C4015316, MONDO:0014505, OMIM 616139.

Allele frequency attached by ClinVar (database versions not stated): gnomAD exomes below 0.00001.
gnomAD v4.1: 5 of 1,613,258 alleles (0.00031%); highest among the groups gnomAD compares: African/African-American, 0.0013%; no homozygotes.

Submissions (2):

Revvity Omics, Revvity
Classification: Uncertain significance. Last evaluated: 2023-03-27. Review status: criteria provided, single submitter. Criteria: ACMG Guidelines, 2015. Collection method: clinical testing. Allele origin: germline.

Labcorp Genetics (formerly Invitae), Labcorp
Classification: Uncertain significance for Developmental and epileptic encephalopathy, 27; Intellectual developmental disorder, autosomal dominant 6, with or without seizures. Last evaluated: 2022-12-15. Review status: criteria provided, single submitter. Criteria: Invitae Variant Classification Sherloc (09022015). Collection method: clinical testing. Allele origin: germline.
Comment: This sequence change replaces valine, which is neutral and non-polar, with isoleucine, which is neutral and non-polar, at codon 569 of the GRIN2B protein (p.Val569Ile). In summary, the available evidence is currently insufficient to determine the role of this variant in disease. Therefore, it has been classified as a Variant of Uncertain Significance. Algorithms developed to predict the effect of missense changes on protein structure and function (SIFT, PolyPhen-2, Align-GVGD) all suggest that this variant is likely to be tolerated. ClinVar contains an entry for this variant (Variation ID: 567253). This variant has not been reported in the literature in individuals affected with GRIN2B-related conditions. This variant is not present in population databases (gnomAD no frequency).

NM_000834.5(GRIN2B):c.1705G>A (p.Val569Ile)

Gene: GRIN2B (glutamate ionotropic receptor NMDA type subunit 2B; minus strand). Cytogenetic location: 12p13.1.
Variant type: single nucleotide variant.
Coding change: c.1705G>A on transcript NM_000834.5 (MANE Select); coding-DNA position 1705, G replaced by A.
Protein change: p.Val569Ile; replaces valine 569 with isoleucine.
Molecular consequence: missense variant.
Genome position (GRCh38, 1-based): chr12:13,611,800, C>T on the plus strand (G>A on the coding strand, the complement: GRIN2B is on the minus strand). VCF-style: chr12-13611800-C-T. GRCh37 (hg19) VCF-style: chr12-13764734-C-T.
Other names: c.1705G>A (NM_000834.4); short protein forms V569I.
Identifiers: ClinVar variation 567253 (VCV000567253.11), dbSNP rs1293991066, ClinGen allele CA384051536.